The following is an entry in ClinVar:

NM_000528.4(MAN2B1):c.449dup (p.Ala151fs)

Gene: MAN2B1 (mannosidase alpha class 2B member 1; minus strand). Cytogenetic location: 19p13.13.
Variant type: Duplication.
Coding change: c.449dup on transcript NM_000528.4 (MANE Select); coding-DNA position 449, one base duplicated (T; older notation c.449dupT).
Protein change: p.Ala151fs; shifts the reading frame from alanine 151.
Molecular consequence: frameshift variant.
Genome position (GRCh38, 1-based): chr19:12,664,973, A duplicated on the plus strand (T on the coding strand, the reverse complement: MAN2B1 is on the minus strand); the first of 2 consecutive A bases (chr19:12,664,973-12,664,974); duplicating either gives the same sequence. VCF-style (leftmost placement, unchanged base first): chr19-12664972-G-GA. GRCh37 (hg19) VCF-style: chr19-12775786-G-GA.
Other names: c.449dup, p.Ala151fs (NM_001173498.2, NM_001440570.1); short protein forms A151fs.
Identifiers: ClinVar variation 5012074 (VCV005012074.1).
Genomic context (GRCh38, chr19:12,664,972, plus strand): 5'-GTCCACGATGGCACCGTAGTGGGTGGCTGCCTCATCGTTCATCACCCAGCCACCATTGGC[G>GA]AACTCCAGGCGCCCTGTGCCAGGACAGGCAAGGTCAGGGTCAGCGGTCAGAGCCAGGAGT-3'

ClinVar aggregate classification (germline): Pathogenic (1 of 4 stars; one submission).

Conditions:
Deficiency of alpha-mannosidase (MANSA). Also called: LYSOSOMAL ALPHA-D-MANNOSIDASE DEFICIENCY; Alpha-Mannosidosis; Mannosidosis, alpha-, types I and II. Identifiers: Orphanet 61, MedGen C0024748, MONDO:0009561, OMIM 248500.

Submission:

Myriad Genetics, Inc.
Classification: Pathogenic for Deficiency of alpha-mannosidase. Last evaluated: 2023-09-27. Review status: criteria provided, single submitter. Criteria: Myriad Autosomal Dominant, Autosomal Recessive and X-Linked Classification Criteria (2023). Collection method: clinical testing. Allele origin: unknown.
Comment: NM_000528.3(MAN2B1):c.449dupT(A151Rfs*10) is expected to be pathogenic in the context of alpha-mannosidosis. This variant is predicted to lead to an abnormal or absent protein product due to the creation of a premature termination codon in MAN2B1, a gene where loss-of-function variants are known to be pathogenic. Please note: this variant was assessed in the context of healthy population screening.